The following is an entry in ClinVar:

ClinVar aggregate classification (germline): Uncertain significance (1 of 4 stars; one submission).

gnomAD v4.1: 1 of 1,613,278 alleles (0.000062%); highest among the groups gnomAD compares: Non-Finnish European, 0.000085%; no homozygotes.

Submission:

Labcorp Genetics (formerly Invitae), Labcorp
Classification: Uncertain significance. Last evaluated: 2024-04-03. Review status: criteria provided, single submitter. Criteria: Invitae Variant Classification Sherloc (09022015). Collection method: clinical testing. Allele origin: germline.
Comment: This sequence change replaces methionine, which is neutral and non-polar, with valine, which is neutral and non-polar, at codon 334 of the LONP1 protein (p.Met334Val). This variant is present in population databases (no rsID available, gnomAD 0.0009%). This variant has not been reported in the literature in individuals affected with LONP1-related conditions. Advanced modeling of protein sequence and biophysical properties (such as structural, functional, and spatial information, amino acid conservation, physicochemical variation, residue mobility, and thermodynamic stability) performed at Invitae indicates that this missense variant is not expected to disrupt LONP1 protein function with a negative predictive value of 80%. In summary, the available evidence is currently insufficient to determine the role of this variant in disease. Therefore, it has been classified as a Variant of Uncertain Significance.

NM_004793.4(LONP1):c.1000A>G (p.Met334Val)

Gene: LONP1 (lon peptidase 1, mitochondrial; minus strand). Cytogenetic location: 19p13.3.
Variant type: single nucleotide variant.
Coding change: c.1000A>G on transcript NM_004793.4 (MANE Select); coding-DNA position 1000, A replaced by G.
Protein change: p.Met334Val; replaces methionine 334 with valine.
Molecular consequence: missense variant. On other transcripts: non-coding transcript variant (1).
Genome position (GRCh38, 1-based): chr19:5,707,759, T>C on the plus strand (A>G on the coding strand, the complement: LONP1 is on the minus strand). VCF-style: chr19-5707759-T-C. GRCh37 (hg19) VCF-style: chr19-5707770-T-C.
Other names: c.808A>G, p.Met270Val (NM_001276479.2); c.412A>G, p.Met138Val (NM_001276480.1); short protein forms M138V, M334V, M270V.
Identifiers: ClinVar variation 3648724 (VCV003648724.2).